The following is an entry in ClinVar:

ClinVar aggregate classification (germline): Uncertain significance. Review status: criteria provided, multiple submitters, no conflicts (2 of 4 stars). 2 submissions from 2 submitters: Uncertain significance (2). Last evaluated 2024-01-17.

Conditions:
DICER1-related tumor predisposition. Also called: DICER1-related pleuropulmonary blastoma cancer predisposition syndrome; DICER1 syndrome. Identifiers: Orphanet 284343, MedGen C3839822, MONDO:0100216.
Hereditary cancer-predisposing syndrome. Also called: Hereditary neoplastic syndrome; Tumor predisposition; Neoplastic Syndromes, Hereditary; Hereditary Cancer Syndrome. Identifiers: Orphanet 140162, MedGen C0027672, MeSH D009386, MONDO:0015356.

Allele frequency attached by ClinVar (database versions not stated): gnomAD exomes below 0.00001.
gnomAD v4.1: 1 of 1,595,788 alleles (0.000063%); highest among the groups gnomAD compares: Non-Finnish European, 0.000086%; no homozygotes.

Submissions (2):

Ambry Genetics
Classification: Uncertain significance for Hereditary cancer-predisposing syndrome. Last evaluated: 2024-01-17. Review status: criteria provided, single submitter. Criteria: Ambry Variant Classification Scheme 2023. Collection method: clinical testing. Allele origin: germline.
Comment: The p.L271M variant (also known as c.811C>A), located in coding exon 6 of the DICER1 gene, results from a C to A substitution at nucleotide position 811. The leucine at codon 271 is replaced by methionine, an amino acid with highly similar properties. This amino acid position is conserved. In addition, this alteration is predicted to be tolerated by in silico analysis. Based on the available evidence, the clinical significance of this alteration remains unclear.

Labcorp Genetics (formerly Invitae), Labcorp
Classification: Uncertain significance for DICER1-related tumor predisposition. Last evaluated: 2021-11-29. Review status: criteria provided, single submitter. Criteria: Invitae Variant Classification Sherloc (09022015). Collection method: clinical testing. Allele origin: germline.
Comment: This variant is not present in population databases (gnomAD no frequency). This sequence change replaces leucine, which is neutral and non-polar, with methionine, which is neutral and non-polar, at codon 271 of the DICER1 protein (p.Leu271Met). This variant has not been reported in the literature in individuals affected with DICER1-related conditions. In summary, the available evidence is currently insufficient to determine the role of this variant in disease. Therefore, it has been classified as a Variant of Uncertain Significance. Algorithms developed to predict the effect of missense changes on protein structure and function are either unavailable or do not agree on the potential impact of this missense change (SIFT: "Tolerated"; PolyPhen-2: "Possibly Damaging"; Align-GVGD: "Class C0").

NM_177438.3(DICER1):c.811C>A (p.Leu271Met)

Gene: DICER1 (dicer 1, ribonuclease III; minus strand). Cytogenetic location: 14q32.13.
Variant type: single nucleotide variant.
Coding change: c.811C>A on transcript NM_177438.3 (MANE Select); coding-DNA position 811, C replaced by A.
Protein change: p.Leu271Met; replaces leucine 271 with methionine.
Molecular consequence: missense variant.
Genome position (GRCh38, 1-based): chr14:95,126,672, G>T on the plus strand (C>A on the coding strand, the complement: DICER1 is on the minus strand). VCF-style: chr14-95126672-G-T. GRCh37 (hg19) VCF-style: chr14-95593009-G-T.
Other names: c.811C>A (NM_177438.2); c.811C>A, p.Leu271Met (NM_001195573.1, NM_001271282.3, NM_001291628.2 and 1 more transcripts); short protein forms L271M.
Identifiers: ClinVar variation 1476352 (VCV001476352.8), dbSNP rs2140233516, ClinGen allele CA390887684.